The following is an entry in ClinVar:

NM_005297.4(MCHR1):c.-125A>T

Gene: MCHR1 (melanin concentrating hormone receptor 1; plus strand). Cytogenetic location: 22q13.2.
Variant type: single nucleotide variant.
Coding change: c.-125A>T on transcript NM_005297.4 (MANE Select); 125 bases upstream of the start codon, A replaced by T.
Molecular consequence: 5 prime UTR variant.
Genome position (GRCh38, 1-based): chr22:40,679,528, A>T. VCF-style: chr22-40679528-A-T. GRCh37 (hg19) VCF-style: chr22-41075532-A-T.
Identifiers: ClinVar variation 3059605 (VCV003059605.2), dbSNP rs112405400, ClinGen allele CA10250089.
Genomic context (GRCh38, chr22:40,679,528, plus strand): 5'-AGGGAGTGGGGAGGGCAGTTGGGCTTGGAGGCGGCAGCGGCTGCCAGGCTACGGAGGAAG[A>T]CCCCCTTCCCAACTGCGGGGCTTGCGCTCCGGGACAAGGTGGCAGGCGCTGGAGGCTGCC-3'

ClinVar aggregate classification (germline): Benign (0 of 4 stars; one submission).

Conditions:
MCHR1-related disorder. Also called: MCHR1-related condition.

Allele frequency attached by ClinVar (database versions not stated): ExAC 0.00724; 1000 Genomes Project 30x 0.00828; 1000 Genomes Project 0.00859; ESP Exome Variant Server 0.00938; gnomAD 0.00960; TOPMed 0.01033.

Submission:

PreventionGenetics, part of Exact Sciences
Classification: Benign for MCHR1-related condition. Last evaluated: 2019-05-02. Review status: no assertion criteria provided. Collection method: clinical testing. Allele origin: germline.
Comment: This variant is classified as benign based on ACMG/AMP sequence variant interpretation guidelines (Richards et al. 2015 PMID: 25741868, with internal and published modifications).